The following is an entry in ClinVar:

NM_001999.4(FBN2):c.6948C>T (p.Ile2316=)

Gene: FBN2 (fibrillin 2; minus strand). Cytogenetic location: 5q23.3.
Variant type: single nucleotide variant.
Coding change: c.6948C>T on transcript NM_001999.4 (MANE Select); coding-DNA position 6948, C replaced by T.
Protein change: p.Ile2316=; no amino-acid change (isoleucine 2316 retained).
Molecular consequence: synonymous variant.
Genome position (GRCh38, 1-based): chr5:128,286,782, G>A on the plus strand (C>T on the coding strand, the complement: FBN2 is on the minus strand). VCF-style: chr5-128286782-G-A. GRCh37 (hg19) VCF-style: chr5-127622474-G-A.
Other names: p.Ile2316=.
Identifiers: ClinVar variation 528435 (VCV000528435.17), dbSNP rs17608368, ClinGen allele CA3394263.

ClinVar aggregate classification (germline): Likely benign. Review status: criteria provided, multiple submitters, no conflicts (2 of 4 stars). 8 submissions from 8 submitters: Likely benign (6). 2 of the submissions do not count toward it. Last evaluated 2025-12-15.

Conditions:
Congenital contractural arachnodactyly (CCA). Also called: BEALS SYNDROME; Beals-Hecht syndrome; Arthrogryposis, distal, type 9. Identifiers: Orphanet 115, MedGen C0220668, MONDO:0007363, OMIM 121050.
Familial thoracic aortic aneurysm and aortic dissection (TAAD). Also called: Thoracic aortic aneurysms and dissections. Identifiers: Orphanet 91387, MedGen C4707243, MONDO:0019625.

Allele frequency attached by ClinVar (database versions not stated): 1000 Genomes Project 30x 0.00016; TOPMed 0.00029.
gnomAD v4.1: 94 of 1,613,932 alleles (0.0058%); highest among the groups gnomAD compares: African/African-American, 0.083%; no homozygotes.

Submissions (8):

Labcorp Genetics (formerly Invitae), Labcorp
Classification: Likely benign for Congenital contractural arachnodactyly. Last evaluated: 2025-12-15. Review status: criteria provided, single submitter. Criteria: Invitae Variant Classification Sherloc (09022015). Collection method: clinical testing. Allele origin: germline.

Women's Health and Genetics/Laboratory Corporation of America, LabCorp
Classification: Likely benign. Last evaluated: 2025-06-26. Review status: criteria provided, single submitter. Criteria: LabCorp Variant Classification Summary - May 2015. Collection method: clinical testing. Allele origin: germline.

Mayo Clinic Laboratories, Mayo Clinic
Classification: Likely benign. Last evaluated: 2024-12-27. Review status: criteria provided, single submitter. Criteria: ACMG Guidelines, 2015. Collection method: clinical testing. Allele origin: germline. Observed: 1 variant allele.
Comment: BS1, BP4, BP7

Blueprint Genetics
Classification: Likely benign. Last evaluated: 2024-11-14. Review status: criteria provided, single submitter. Criteria: ACMG Guidelines, 2015. Collection method: clinical testing. Allele origin: germline.

GeneDx
Classification: Likely benign. Last evaluated: 2021-04-23. Review status: criteria provided, single submitter. Criteria: GeneDx Variant Classification Process June 2021. Collection method: clinical testing. Allele origin: germline. Affected: yes.

Ambry Genetics
Classification: Likely benign for Familial thoracic aortic aneurysm and aortic dissection. Last evaluated: 2021-03-08. Review status: criteria provided, single submitter. Criteria: Ambry Variant Classification Scheme 2023. Collection method: clinical testing. Allele origin: germline.

Genome Diagnostics Laboratory, Amsterdam University Medical Center
Classification: Likely benign. Review status: no assertion criteria provided. Collection method: clinical testing. Allele origin: germline. Affected: yes. Study: VKGL Data-share Consensus. Not counted in ClinVar's aggregate classification.

Genome Diagnostics Laboratory, University Medical Center Utrecht
Classification: Likely benign. Review status: no assertion criteria provided. Collection method: clinical testing. Allele origin: germline. Affected: yes. Study: VKGL Data-share Consensus. Not counted in ClinVar's aggregate classification.